The following is an entry in ClinVar:

ClinVar aggregate classification (germline): Uncertain significance. Review status: criteria provided, multiple submitters, no conflicts (2 of 4 stars). 3 submissions from 3 submitters: Uncertain significance (3). Last evaluated 2024-06-14.

Conditions:
Hereditary cancer-predisposing syndrome. Also called: Tumor predisposition; Neoplastic Syndromes, Hereditary; Hereditary neoplastic syndrome; Hereditary Cancer Syndrome. Identifiers: Orphanet 140162, MedGen C0027672, MeSH D009386, MONDO:0015356.
Familial cancer of breast. Also called: hereditary breast carcinoma; BREAST CANCER, FAMILIAL; Hereditary breast cancer. Identifiers: Orphanet 227535, MedGen C0346153, MONDO:0016419, OMIM 114480. Disease mechanism: loss of function.

Allele frequency attached by ClinVar (database versions not stated): gnomAD exomes below 0.00001; TOPMed below 0.00001.
gnomAD v4.1: 2 of 1,614,176 alleles (0.00012%); highest among the groups gnomAD compares: Non-Finnish European, 0.00017%; no homozygotes.

Submissions (3):

Ambry Genetics
Classification: Uncertain significance for Hereditary cancer-predisposing syndrome. Last evaluated: 2024-06-14. Review status: criteria provided, single submitter. Criteria: Ambry Variant Classification Scheme 2023. Collection method: clinical testing. Allele origin: germline.
Comment: The p.R749S variant (also known as c.2247G>T), located in coding exon 11 of the BARD1 gene, results from a G to T substitution at nucleotide position 2247. The arginine at codon 749 is replaced by serine, an amino acid with dissimilar properties. This amino acid position is conserved. In addition, this alteration is predicted to be tolerated by in silico analysis. Based on the available evidence, the clinical significance of this variant remains unclear.

Labcorp Genetics (formerly Invitae), Labcorp
Classification: Uncertain significance for Familial cancer of breast. Last evaluated: 2024-05-06. Review status: criteria provided, single submitter. Criteria: Invitae Variant Classification Sherloc (09022015). Collection method: clinical testing. Allele origin: germline.
Comment: This sequence change replaces arginine, which is basic and polar, with serine, which is neutral and polar, at codon 749 of the BARD1 protein (p.Arg749Ser). This variant is not present in population databases (gnomAD no frequency). This variant has not been reported in the literature in individuals affected with BARD1-related conditions. ClinVar contains an entry for this variant (Variation ID: 631053). An algorithm developed to predict the effect of missense changes on protein structure and function (PolyPhen-2) suggests that this variant is likely to be tolerated. In summary, the available evidence is currently insufficient to determine the role of this variant in disease. Therefore, it has been classified as a Variant of Uncertain Significance.

Color Diagnostics, LLC DBA Color Health
Classification: Uncertain significance for Hereditary cancer-predisposing syndrome. Last evaluated: 2023-12-05. Review status: criteria provided, single submitter. Criteria: ACMG Guidelines, 2015. Collection method: clinical testing. Allele origin: germline.
Comment: This missense variant replaces arginine with serine at codon 749 of the BARD1 protein. Computational prediction suggests that this variant may not impact protein structure and function (internally defined REVEL score threshold <= 0.5, PMID: 27666373). To our knowledge, functional studies have not been reported for this variant. This variant has not been reported in individuals affected with BARD1-related disorders in the literature. This variant has not been identified in the general population by the Genome Aggregation Database (gnomAD). The available evidence is insufficient to determine the role of this variant in disease conclusively. Therefore, this variant is classified as a Variant of Uncertain Significance.

NM_000465.4(BARD1):c.2247G>T (p.Arg749Ser)

Gene: BARD1 (BRCA1 associated RING domain 1; minus strand). Cytogenetic location: 2q35.
Variant type: single nucleotide variant.
Coding change: c.2247G>T on transcript NM_000465.4 (MANE Select); coding-DNA position 2247, G replaced by T.
Protein change: p.Arg749Ser; replaces arginine 749 with serine.
Molecular consequence: missense variant. On other transcripts: non-coding transcript variant (3).
Genome position (GRCh38, 1-based): chr2:214,728,763, C>A on the plus strand (G>T on the coding strand, the complement: BARD1 is on the minus strand). VCF-style: chr2-214728763-C-A. GRCh37 (hg19) VCF-style: chr2-215593487-C-A.
Other names: c.2190G>T, p.Arg730Ser (NM_001282543.2); c.894G>T, p.Arg298Ser (NM_001282545.2); c.837G>T, p.Arg279Ser (NM_001282548.2); c.708G>T, p.Arg236Ser (NM_001282549.2); c.2247G>T (NM_000465.2); short protein forms R749S, R730S, R236S, R279S, R298S.
Identifiers: ClinVar variation 631053 (VCV000631053.11), dbSNP rs1057520455, ClinGen allele CA350449998.